The following is an entry in ClinVar:

ClinVar aggregate classification (germline): Benign (1 of 4 stars; one submission).

Allele frequency attached by ClinVar (database versions not stated): ExAC 0.27925; 1000 Genomes Project 0.34724; gnomAD 0.36481; TOPMed 0.36986; ESP Exome Variant Server 0.38313.
gnomAD v4.1: 411,355 of 1,506,234 alleles (27%); highest among the groups gnomAD compares: African/African-American, 64%; 63,631 homozygotes.

Submission:

Unidad de Genómica Garrahan, Hospital de Pediatría Garrahan
Classification: Benign. Last evaluated: 2024-07-15. Review status: criteria provided, single submitter. Criteria: ACMG Guidelines, 2015. Collection method: clinical testing. Allele origin: germline. Affected: no. Observed: 49 variant alleles.
Comment: This variant is classified as Benign based on local population frequency. This variant was detected in 53% of patients studied in a panel designed for Epileptic and Developmental Encephalopathy and Progressive Myoclonus Epilepsy. Number of patients: 49. Only high quality variants are reported.

NM_020822.3(KCNT1):c.3502+1544C>G

Gene: KCNT1 (potassium sodium-activated channel subfamily T member 1; plus strand). Cytogenetic location: 9q34.3.
Variant type: single nucleotide variant.
Coding change: c.3502+1544C>G on transcript NM_020822.3 (MANE Select); 1544 bases into the intron after coding-DNA position 3502, C replaced by G.
Molecular consequence: intron variant.
Genome position (GRCh38, 1-based): chr9:135,788,065, C>G. VCF-style: chr9-135788065-C-G. GRCh37 (hg19) VCF-style: chr9-138679911-C-G.
Other names: c.3368-35C>G (NM_001272003.2).
Identifiers: ClinVar variation 3255270 (VCV003255270.2), dbSNP rs12555229.